The following is an entry in ClinVar:

NM_000459.5(TEK):c.2877+8C>T

Gene: TEK (TEK receptor tyrosine kinase; plus strand). Cytogenetic location: 9p21.2.
Variant type: single nucleotide variant.
Coding change: c.2877+8C>T on transcript NM_000459.5 (MANE Select); 8 bases into the intron after coding-DNA position 2877, C replaced by T.
Molecular consequence: intron variant.
Genome position (GRCh38, 1-based): chr9:27,212,905, C>T. VCF-style: chr9-27212905-C-T. GRCh37 (hg19) VCF-style: chr9-27212903-C-T.
Other names: p.?; c.2748+8C>T (NM_001290077.2); c.2433+8C>T (NM_001290078.2); c.2874+8C>T (NM_001375475.1); c.2745+8C>T (NM_001375476.1); c.2877+8C>T (NM_000459.4).
Identifiers: ClinVar variation 366446 (VCV000366446.6), dbSNP rs201140196, ClinGen allele CA5016603.

ClinVar aggregate classification (germline): Benign. Review status: criteria provided, multiple submitters, no conflicts (2 of 4 stars). 2 submissions from 2 submitters: Benign (2). Last evaluated 2024-10-11.

Conditions:
Multiple cutaneous and mucosal venous malformations (VMCM). Also called: TEK-Related Multiple Cutaneous and Mucosal Venous Malformations (VMCM). Identifiers: Orphanet 2451, MedGen C1838437, MONDO:0010842, OMIM 600195.

Allele frequency attached by ClinVar (database versions not stated): gnomAD 0.00006 and 0.00002; TOPMed 0.00006; ESP Exome Variant Server 0.00008; gnomAD exomes 0.00019; ExAC 0.00028; 1000 Genomes Project 30x 0.00031; 1000 Genomes Project 0.00040.
gnomAD v4.1: 166 of 1,613,046 alleles (0.01%); highest among the groups gnomAD compares: South Asian, 0.12%; 2 homozygotes.

Submissions (2):

Mayo Clinic Laboratories, Mayo Clinic
Classification: Benign. Last evaluated: 2024-10-11. Review status: criteria provided, single submitter. Criteria: ACMG Guidelines, 2015. Collection method: clinical testing. Allele origin: germline. Observed: 1 variant allele.
Comment: BS1, BS2, BP4, BP7

Illumina Laboratory Services, Illumina
Classification: Benign for Multiple cutaneous and mucosal venous malformations. Last evaluated: 2018-01-13. Review status: criteria provided, single submitter. Criteria: ICSL Variant Classification Criteria 13 December 2019. Collection method: clinical testing. Allele origin: germline.
Comment: This variant was observed in the ICSL laboratory as part of a predisposition screen in an ostensibly healthy population. It had not been previously curated by ICSL or reported in the Human Gene Mutation Database (HGMD: prior to June 1st, 2018), and was therefore a candidate for classification through an automated scoring system. Utilizing variant allele frequency, disease prevalence and penetrance estimates, and inheritance mode, an automated score was calculated to assess if this variant is too frequent to cause the disease. Based on the score and internal cut-off values, a variant classified as benign is not then subjected to further curation. The score for this variant resulted in a classification of benign for this disease.